The following is an entry in ClinVar:

NM_002230.4(JUP):c.437dup (p.Leu147fs)

Gene: JUP (junction plakoglobin; minus strand). Cytogenetic location: 17q21.2.
Variant type: Duplication.
Coding change: c.437dup on transcript NM_002230.4 (MANE Select); coding-DNA position 437, one base duplicated (A; older notation c.437dupA).
Protein change: p.Leu147fs; shifts the reading frame from leucine 147.
Molecular consequence: frameshift variant.
Genome position (GRCh38, 1-based): chr17:41,769,449, T duplicated on the plus strand (A on the coding strand, the reverse complement: JUP is on the minus strand). VCF-style (leftmost placement, unchanged base first): chr17-41769448-C-CT. GRCh37 (hg19) VCF-style: chr17-39925700-C-CT.
Other names: c.437dupA (NM_002230.2); c.437dup, p.Leu147fs (NM_001352776.2, NM_001352777.2, NM_021991.4 and 3 more transcripts); short protein forms L147fs.
Identifiers: ClinVar variation 5022917 (VCV005022917.1).

ClinVar aggregate classification (germline): Uncertain significance (1 of 4 stars; one submission).

Conditions:
Cardiovascular phenotype. Identifiers: MedGen CN230736.

Submission:

Ambry Genetics
Classification: Uncertain significance for Cardiovascular phenotype. Last evaluated: 2026-07-22. Review status: criteria provided, single submitter. Criteria: Ambry Variant Classification Scheme 2023. Collection method: clinical testing. Allele origin: germline.
Comment: The c.437dupA variant, located in coding exon 2 of the JUP gene, results from a duplication of A at nucleotide position 437, causing a translational frameshift with a predicted alternate stop codon (p.L147Afs*175). This alteration is expected to result in loss of function by premature protein truncation or nonsense-mediated mRNA decay. Although biallelic loss of function of JUP has been associated with autosomal recessive Naxos disease, haploinsufficiency of JUP has not been established as a mechanism of disease for autosomal dominant arrhythmogenic right ventricular cardiomyopathy (ARVC). Based on the supporting evidence, this variant is expected to be causative of Naxos disease when present along with a second pathogenic variant on the other allele; however, its clinical significance for ARVC is unclear.